The following is an entry in ClinVar:

ClinVar aggregate classification (germline): Likely pathogenic (1 of 4 stars; one submission).

Submission:

GeneDx
Classification: Likely pathogenic. Last evaluated: 2017-06-02. Review status: criteria provided, single submitter. Criteria: GeneDx Variant Classification (06012015). Collection method: clinical testing. Allele origin: germline. Affected: yes.
Comment: The G2202V variant in the LAMA2 gene has not been reported previously as a pathogenic variant, nor as a benign variant, to our knowledge. The G2202V variant is not observed in large population cohorts (Lek et al., 2016; 1000 Genomes Consortium et al., 2015; Exome Variant Server). The G2202V variant is a conservative amino acid substitution, which is not likely to impact secondary protein structure as these residues share similar properties. However, this substitution occurs at a position that is conserved across species and in silico analysis predicts this variant is probably damaging to the protein structure/function. We interpret G2202V as a likely pathogenic variant.

NM_000426.4(LAMA2):c.6605G>T (p.Gly2202Val)

Gene: LAMA2 (laminin subunit alpha 2; plus strand). Cytogenetic location: 6q22.33.
Variant type: single nucleotide variant.
Coding change: c.6605G>T on transcript NM_000426.4 (MANE Select); coding-DNA position 6605, G replaced by T.
Protein change: p.Gly2202Val; replaces glycine 2202 with valine.
Molecular consequence: missense variant.
Genome position (GRCh38, 1-based): chr6:129,454,186, G>T. VCF-style: chr6-129454186-G-T. GRCh37 (hg19) VCF-style: chr6-129775331-G-T.
Other names: c.6605G>T, p.Gly2202Val (NM_001079823.2); short protein forms G2202V.
Identifiers: ClinVar variation 432497 (VCV000432497.2), dbSNP rs1554299897, ClinGen allele CA365616947.
Genomic context (GRCh38, chr6:129,454,186, plus strand): 5'-TCTCTTGTTTTTGTATTTCTCTGAACTAGATTGACTTTCTGGCTATAGAAATGCGTAAAG[G>T]CAAAGTCAGCTTCCTCTGGGATGTTGGATCTGGAGTTGGACGTGTAGAGTACCCAGATTT-3'
Protein context (NP_000417.3, residues 2192-2212): IDFLAIEMRK[Gly2202Val]KVSFLWDVGS